The following is an entry in ClinVar:

NM_000535.7(PMS2):c.904-16C>T

Gene: PMS2 (PMS1 homolog 2, mismatch repair system component; minus strand). Cytogenetic location: 7p22.1.
Variant type: single nucleotide variant.
Coding change: c.904-16C>T on transcript NM_000535.7 (MANE Select); 16 bases into the intron before coding-DNA position 904, C replaced by T.
Molecular consequence: intron variant.
Genome position (GRCh38, 1-based): chr7:5,992,073, G>A on the plus strand (C>T on the coding strand, the complement: PMS2 is on the minus strand). VCF-style: chr7-5992073-G-A. GRCh37 (hg19) VCF-style: chr7-6031704-G-A.
Other names: c.586-16C>T (NM_001322008.2, NM_001406902.1, NM_001406883.1 and 4 more transcripts); c.595-16C>T (NM_001406881.1, NM_001406879.1, NM_001322015.2 and 6 more transcripts); c.499-16C>T (NM_001406895.1, NM_001322010.2, NM_001322004.2 and 19 more transcripts); c.133-16C>T (NM_001406911.1); c.391-16C>T (NM_001406904.1, NM_001406905.1); c.331-16C>T (NM_001322013.2, NM_001406909.1); c.-30-16C>T (NM_001322012.2, NM_001322011.2); c.568-16C>T (NM_001406885.1); and 8 more.
Identifiers: ClinVar variation 2736381 (VCV002736381.4), dbSNP rs2128756575, ClinGen allele CA2697553826.

ClinVar aggregate classification (germline): Likely benign. Review status: criteria provided, multiple submitters, no conflicts (2 of 4 stars). 2 submissions from 2 submitters: Likely benign (2). Last evaluated 2025-10-02.

Conditions:
Lynch syndrome 4 (LYNCH4). Also called: Colorectal cancer, hereditary nonpolyposis, type 4; Hereditary non-polyposis colorectal cancer, type 4. Identifiers: Orphanet 144, MedGen C1838333, MONDO:0013699, OMIM 614337. Disease mechanism: loss of function.
Hereditary nonpolyposis colorectal neoplasms. Identifiers: MedGen C0009405, MeSH D003123.

Submissions (2):

Labcorp Genetics (formerly Invitae), Labcorp
Classification: Likely benign for Hereditary nonpolyposis colorectal neoplasms. Last evaluated: 2025-10-02. Review status: criteria provided, single submitter. Criteria: Invitae Variant Classification Sherloc (09022015). Collection method: clinical testing. Allele origin: germline.

Myriad Genetics, Inc.
Classification: Likely benign for Lynch syndrome 4. Last evaluated: 2025-01-29. Review status: criteria provided, single submitter. Criteria: Myriad Autosomal Dominant, Autosomal Recessive and X-Linked Classification Criteria (2023). Collection method: clinical testing. Allele origin: unknown.
Comment: This variant is considered likely benign. This variant is intronic and is not expected to impact mRNA splicing.